The following is an entry in ClinVar:

NM_024426.6(WT1):c.832C>T (p.Pro278Ser)

Gene: WT1 (WT1 transcription factor; minus strand). Cytogenetic location: 11p13.
Variant type: single nucleotide variant.
Coding change: c.832C>T on transcript NM_024426.6 (MANE Select); coding-DNA position 832, C replaced by T.
Protein change: p.Pro278Ser; replaces proline 278 with serine.
Molecular consequence: missense variant. On other transcripts: non-coding transcript variant (2).
Genome position (GRCh38, 1-based): chr11:32,428,011, G>A on the plus strand (C>T on the coding strand, the complement: WT1 is on the minus strand). VCF-style: chr11-32428011-G-A. GRCh37 (hg19) VCF-style: chr11-32449557-G-A.
Other names: c.832C>T, p.Pro278Ser (NM_000378.6, NM_001407044.1, NM_001407045.1 and 4 more transcripts); c.181C>T, p.Pro61Ser (NM_001198551.2, NM_001198552.2); c.709C>T, p.Pro237Ser (NM_001407047.1, NM_001407050.1); c.70C>T, p.Pro24Ser (NM_001407051.1); c.613C>T, p.Pro205Ser (NM_001429031.1, NM_001429032.1, NM_001429033.1 and 1 more transcripts); c.817C>T, p.Pro273Ser (NM_024425.2); short protein forms P205S, P237S, P24S, P273S, P278S, P61S.
Identifiers: ClinVar variation 3072226 (VCV003072226.1), dbSNP rs773527284, ClinGen allele CA379962999.

ClinVar aggregate classification (germline): Uncertain significance (1 of 4 stars; one submission).

Conditions:
Wilms tumor 1 (WT1). Also called: Wilms tumor, somatic. Identifiers: Orphanet 654, MedGen CN033288, MONDO:0008679, OMIM 194070.

Submission:

All of Us Research Program, National Institutes of Health
Classification: Uncertain significance for Wilms tumor 1. Last evaluated: 2023-06-26. Review status: criteria provided, single submitter. Criteria: ACMG Guidelines, 2015. Collection method: clinical testing. Allele origin: germline. Inheritance: Autosomal dominant inheritance. Observed: 1 variant allele, 1 heterozygote.
Comment: This missense variant replaces proline with serine at codon 273 of the WT1 protein. Computational prediction suggests that this variant may have deleterious impact on protein structure and function (internally defined REVEL score threshold >= 0.7, PMID: 27666373). To our knowledge, functional studies have not been reported for this variant. This variant has not been reported in individuals affected with WT1-related disorders in the literature. This variant has not been identified in the general population by the Genome Aggregation Database (gnomAD). The available evidence is insufficient to determine the role of this variant in disease conclusively. Therefore, this variant is classified as a Variant of Uncertain Significance.

This study involves interpretation of variants in research participants for the purpose of population health screening. Participant phenotype was not available at the time of variant classification. Additional details can be found in publication PMID: 35346344, PMCID: PMC8962531